The following is an entry in ClinVar:

ClinVar aggregate classification (germline): Uncertain significance. Review status: criteria provided, multiple submitters, no conflicts (2 of 4 stars). 2 submissions from 2 submitters: Uncertain significance (2). Last evaluated 2023-06-20.

Conditions:
Inborn genetic diseases. Identifiers: MedGen C0950123, MeSH D030342.

Allele frequency attached by ClinVar (database versions not stated): gnomAD exomes 0.00001; ESP Exome Variant Server 0.00008.
gnomAD v4.1: 12 of 1,613,784 alleles (0.00074%); highest among the groups gnomAD compares: Non-Finnish European, 0.001%; no homozygotes.

Submissions (2):

GeneDx
Classification: Uncertain significance. Last evaluated: 2023-06-20. Review status: criteria provided, single submitter. Criteria: GeneDx Variant Classification Process June 2021. Collection method: clinical testing. Allele origin: germline. Affected: yes.
Comment: Not observed at significant frequency in large population cohorts (gnomAD); In silico analysis supports that this missense variant does not alter protein structure/function

Ambry Genetics
Classification: Uncertain significance for Inborn genetic diseases. Last evaluated: 2021-11-15. Review status: criteria provided, single submitter. Criteria: Ambry Variant Classification Scheme 2023. Collection method: clinical testing. Allele origin: germline.

NM_025009.5(CEP135):c.3113C>G (p.Ala1038Gly)

Gene: CEP135 (centrosomal protein 135; plus strand). Cytogenetic location: 4q12.
Variant type: single nucleotide variant.
Coding change: c.3113C>G on transcript NM_025009.5 (MANE Select); coding-DNA position 3113, C replaced by G.
Protein change: p.Ala1038Gly; replaces alanine 1038 with glycine.
Molecular consequence: missense variant.
Genome position (GRCh38, 1-based): chr4:56,019,453, C>G. VCF-style: chr4-56019453-C-G. GRCh37 (hg19) VCF-style: chr4-56885619-C-G.
Other names: c.3113C>G (NM_025009.4); short protein forms A1038G.
Identifiers: ClinVar variation 2261588 (VCV002261588.3), dbSNP rs370534878, ClinGen allele CA97592070.